The following is an entry in ClinVar:

ClinVar aggregate classification (germline): Uncertain significance. Review status: criteria provided, multiple submitters, no conflicts (2 of 4 stars). 2 submissions from 2 submitters: Uncertain significance (2). Last evaluated 2025-07-13.

Allele frequency attached by ClinVar (database versions not stated): TOPMed 0.00003; ExAC 0.00004; ESP Exome Variant Server 0.00017; 1000 Genomes Project 0.00020; 1000 Genomes Project 30x 0.00031.
gnomAD v4.1: 35 of 1,613,170 alleles (0.0022%); highest among the groups gnomAD compares: Admixed American, 0.01%; no homozygotes.

Submissions (2):

Labcorp Genetics (formerly Invitae), Labcorp
Classification: Uncertain significance. Last evaluated: 2025-07-13. Review status: criteria provided, single submitter. Criteria: Invitae Variant Classification Sherloc (09022015). Collection method: clinical testing. Allele origin: germline.
Comment: This sequence change replaces arginine, which is basic and polar, with glutamine, which is neutral and polar, at codon 22 of the SAG protein (p.Arg22Gln). This variant is present in population databases (rs371502229, gnomAD 0.01%). This variant has not been reported in the literature in individuals affected with SAG-related conditions. ClinVar contains an entry for this variant (Variation ID: 1450481). Invitae Evidence Modeling of protein sequence and biophysical properties (such as structural, functional, and spatial information, amino acid conservation, physicochemical variation, residue mobility, and thermodynamic stability) indicates that this missense variant is not expected to disrupt SAG protein function with a negative predictive value of 80%. In summary, the available evidence is currently insufficient to determine the role of this variant in disease. Therefore, it has been classified as a Variant of Uncertain Significance.

Blueprint Genetics
Classification: Uncertain significance. Last evaluated: 2023-04-28. Review status: criteria provided, single submitter. Criteria: ACMG Guidelines, 2015. Collection method: clinical testing. Allele origin: germline.

NM_000541.5(SAG):c.65G>A (p.Arg22Gln)

Gene: SAG (S-antigen visual arrestin; plus strand). Cytogenetic location: 2q37.1.
Variant type: single nucleotide variant.
Coding change: c.65G>A on transcript NM_000541.5 (MANE Select); coding-DNA position 65, G replaced by A.
Protein change: p.Arg22Gln; replaces arginine 22 with glutamine.
Molecular consequence: missense variant.
Genome position (GRCh38, 1-based): chr2:233,309,254, G>A. VCF-style: chr2-233309254-G-A. GRCh37 (hg19) VCF-style: chr2-234217900-G-A.
Other names: short protein forms R22Q.
Identifiers: ClinVar variation 1450481 (VCV001450481.9), dbSNP rs371502229, ClinGen allele CA2174184.